The following is an entry in ClinVar:

NM_001127511.3(APC):c.166-29117C>G

Gene: APC (APC regulator of Wnt signaling pathway; plus strand). Cytogenetic location: 5q22.2.
Variant type: single nucleotide variant.
Coding change: c.166-29117C>G on transcript NM_001127511.3; 29117 bases into the intron before coding-DNA position 166, C replaced by G.
Molecular consequence: intron variant.
Genome position (GRCh38, 1-based): chr5:112,737,209, C>G. VCF-style: chr5-112737209-C-G. GRCh37 (hg19) VCF-style: chr5-112072906-C-G.
Other names: c.-1053-17664C>G (NM_001407470.1, NM_001407472.1); c.-18-17664C>G (NM_001407447.1, NM_001354895.2, NM_001407456.1 and 7 more transcripts); c.166-29117C>G (NM_001407446.1, NM_001354897.2, NM_001354902.2); c.-42-29117C>G (NM_001407453.1).
Identifiers: ClinVar variation 4977414 (VCV004977414.1).

ClinVar aggregate classification (germline): Likely benign (1 of 4 stars; one submission).

Conditions:
APC-related disorder. Also called: APC-related condition.

gnomAD v4.1: 20 of 152,270 alleles (0.013%); highest among the groups gnomAD compares: Non-Finnish European, 0.024%; no homozygotes.

Submission:

PreventionGenetics, part of Exact Sciences
Classification: Likely benign for APC-related condition. Last evaluated: 2025-10-27. Review status: criteria provided, single submitter. Criteria: ACMG Guidelines, 2015. Collection method: clinical testing. Allele origin: germline.
Comment: This variant is classified as likely benign based on ACMG/AMP sequence variant interpretation guidelines (Richards et al. 2015 PMID: 25741868, with internal and published modifications).